The following is an entry in ClinVar:

ClinVar aggregate classification (germline): Pathogenic (1 of 4 stars; one submission).

Conditions:
Neurofibromatosis, type 1 (NF1). Also called: VON RECKLINGHAUSEN DISEASE; NEUROFIBROMATOSIS, TYPE I, SOMATIC; Peripheral type neurofibromatosis; Neurofibromatosis, type I. Identifiers: Orphanet 636, MedGen C0027831, MONDO:0018975, OMIM 162200. Disease mechanism: loss of function.

Submission:

Labcorp Genetics (formerly Invitae), Labcorp
Classification: Pathogenic for Neurofibromatosis, type 1. Last evaluated: 2017-09-12. Review status: criteria provided, single submitter. Criteria: Invitae Variant Classification Sherloc (09022015). Collection method: clinical testing. Allele origin: germline.
Comment: This variant is not present in population databases (ExAC no frequency). For these reasons, this variant has been classified as Pathogenic. Loss-of-function variants in NF1 are known to be pathogenic (PMID: 10712197, 23913538). A different variant (c.569T>G) giving rise to the same protein effect observed here (p.Leu190*) has been reported in individuals affected with neurofibromatosis type 1 (PMID: 24789688, 25074460). This variant has not been reported in the literature in individuals with NF1-related disease. This sequence change creates a premature translational stop signal (p.Leu190*) in the NF1 gene. It is expected to result in an absent or disrupted protein product.

Literature cited by the submitters: PubMed 10712197; PubMed 23913538; PubMed 24789688; PubMed 25074460.

NM_001042492.3(NF1):c.569del (p.Lys189_Leu190insTer)

Gene: NF1 (neurofibromin 1; plus strand). Cytogenetic location: 17q11.2.
Variant type: Deletion.
Coding change: c.569del on transcript NM_001042492.3 (MANE Select); coding-DNA position 569, one base deleted (T; older notation c.569delT).
Protein change: p.Lys189_Leu190insTer.
Molecular consequence: nonsense. On other transcripts: frameshift variant (1).
Genome position (GRCh38, 1-based): chr17:31,169,980, T deleted; the last of 2 consecutive T bases (chr17:31,169,979-31,169,980); deleting either gives the same sequence. VCF-style (leftmost placement, unchanged base first): chr17-31169978-AT-A. GRCh37 (hg19) VCF-style: chr17-29496996-AT-A.
Other names: c.569delT (NM_000267.3); c.569delT, p.Leu190Terfs (NM_000267.4); c.569del, p.Lys189_Leu190insTer (NM_001128147.3).
Identifiers: ClinVar variation 527450 (VCV000527450.5), dbSNP rs1555607110, ClinGen allele CA658798768.
Genomic context (GRCh38, chr17:31,169,978, plus strand): 5'-AGACAATGTTGATGTTCATGATATAGAATTGTTACAGTATATCAATGTGGATTGTGCAAA[AT>A]TAAAACGACTCCTGAAGGGTAAGTTTAAATGTATAATATATCTGAAAAAAATCACTGGGT-3'